The following is an entry in ClinVar:

ClinVar aggregate classification (germline): Likely benign (1 of 4 stars; one submission).

Allele frequency attached by ClinVar (database versions not stated): ExAC 0.00002; gnomAD exomes 0.00001.
gnomAD v4.1: 7 of 1,613,694 alleles (0.00043%); highest among the groups gnomAD compares: South Asian, 0.0011%; no homozygotes.

Submission:

GeneDx
Classification: Likely benign. Last evaluated: 2019-01-30. Review status: criteria provided, single submitter. Criteria: GeneDx Variant Classification Process June 2021. Collection method: clinical testing. Allele origin: germline. Affected: yes.
Comment: Predicted loss-of-function variant in a gene for which the disease mechanism is known to be gain-of-function; Has not been previously published as pathogenic or benign to our knowledge

NM_005343.4(HRAS):c.64C>T (p.Gln22Ter)

Genes: HRAS (HRas proto-oncogene, GTPase; minus strand), LRRC56 (leucine rich repeat containing 56; plus strand). Cytogenetic location: 11p15.5.
Variant type: single nucleotide variant.
Coding change: c.64C>T on transcript NM_005343.4 (MANE Select); coding-DNA position 64, C replaced by T.
Protein change: p.Gln22Ter; replaces glutamine 22 with a stop codon.
Molecular consequence: nonsense. On other transcripts: 5 prime UTR variant (1).
Genome position (GRCh38, 1-based): chr11:534,259, G>A on the plus strand (C>T on the coding strand, the complement: HRAS is on the minus strand). VCF-style: chr11-534259-G-A. GRCh37 (hg19) VCF-style: chr11-534259-G-A.
Other names: c.64C>T, p.Gln22Ter (NM_001130442.3, NM_176795.5); c.-256C>T (NM_001318054.2); short protein forms Q22*.
Identifiers: ClinVar variation 279996 (VCV000279996.3), dbSNP rs121917757, ClinGen allele CA5779431.